The following is an entry in ClinVar:

ClinVar aggregate classification (germline): Likely pathogenic (1 of 4 stars; one submission).

Conditions:
Charlevoix-Saguenay spastic ataxia (SACS). Also called: Spastic ataxia of Charlevoix-Saguenay; SPASTIC ATAXIA 6, AUTOSOMAL RECESSIVE; AUTOSOMAL RECESSIVE SPASTIC ATAXIA OF CHARLEVOIX-SAGUENAY. Identifiers: Orphanet 98, MedGen C1849140, MONDO:0010041, OMIM 270550.

Submission:

Myriad Genetics, Inc.
Classification: Likely pathogenic for Charlevoix-Saguenay spastic ataxia. Last evaluated: 2021-12-31. Review status: criteria provided, single submitter. Criteria: Myriad Women's Health Autosomal Recessive and X-Linked Classification Criteria (2021). Collection method: clinical testing. Allele origin: unknown.
Comment: NM_014363.4(SACS):c.742_743delGC(A248Tfs*35) is expected to be pathogenic in the context of autosomal recessive spastic ataxia of Charlevoix-Saguenay. This variant is predicted to lead to an abnormal or absent protein product due to the creation of a premature termination codon in SACS, a gene where loss-of-function variants are known to be pathogenic. Please note: this variant was assessed in the context of healthy population screening.

NM_014363.6(SACS):c.742_743del (p.Ala248fs)

Gene: SACS (sacsin molecular chaperone; minus strand). Cytogenetic location: 13q12.12.
Variant type: Deletion.
Coding change: c.742_743del on transcript NM_014363.6 (MANE Select); coding-DNA positions 742 to 743, 2 bases deleted (GC; older notation c.742_743delGC).
Protein change: p.Ala248fs; shifts the reading frame from alanine 248.
Molecular consequence: frameshift variant.
Genome position (GRCh38, 1-based): chr13:23,355,869-23,355,870, GC deleted on the plus strand (GC on the coding strand, the reverse complement: SACS is on the minus strand). VCF-style (leftmost placement, unchanged base first): chr13-23355868-TGC-T. GRCh37 (hg19) VCF-style: chr13-23930007-TGC-T.
Other names: c.301_302del, p.Ala101fs (NM_001278055.2); short protein forms A101fs, A248fs.
Identifiers: ClinVar variation 1726743 (VCV001726743.2), dbSNP rs2542403567, ClinGen allele CA2580086874.